The following is an entry in ClinVar:

NM_017534.6(MYH2):c.3000G>A (p.Lys1000=)

Genes: MYH2 (myosin heavy chain 2; minus strand), MYHAS (myosin heavy chain gene cluster antisense RNA; plus strand). Cytogenetic location: 17p13.1.
Variant type: single nucleotide variant.
Coding change: c.3000G>A on transcript NM_017534.6 (MANE Select); coding-DNA position 3000, G replaced by A.
Protein change: p.Lys1000=; no amino-acid change (lysine 1000 retained).
Molecular consequence: synonymous variant.
Genome position (GRCh38, 1-based): chr17:10,529,681, C>T on the plus strand (G>A on the coding strand, the complement: MYH2 is on the minus strand). VCF-style: chr17-10529681-C-T. GRCh37 (hg19) VCF-style: chr17-10432998-C-T.
Other names: c.3000G>A, p.Lys1000= (NM_001100112.2).
Identifiers: ClinVar variation 284985 (VCV000284985.21), dbSNP rs573063758, ClinGen allele CA8391022.

ClinVar aggregate classification (germline): Conflicting classifications of pathogenicity. Review status: criteria provided, conflicting classifications (1 of 4 stars). 3 submissions from 3 submitters: Uncertain significance (1); Likely benign (1). 1 of the submissions does not count toward it. Last evaluated 2026-01-17.

Conditions:
MYH2-related disorder. Also called: MYH2-related condition.
Myopathy, proximal, and ophthalmoplegia (CMYO6). Also called: INCLUSION BODY MYOPATHY 3, AUTOSOMAL DOMINANT; CONGENITAL MYOPATHY 6 WITH OPHTHALMOPLEGIA; MYOPATHY WITH CONGENITAL JOINT CONTRACTURES, OPHTHALMOPLEGIA, AND RIMMED VACUOLES. Identifiers: Orphanet 363677, Orphanet 79091, MedGen C1854106, MONDO:0011577, OMIM 605637.

Allele frequency attached by ClinVar (database versions not stated): gnomAD exomes 0.00004 and 0.00014; ExAC 0.00006; gnomAD 0.00035 and 0.00036; TOPMed 0.00039; 1000 Genomes Project 0.00060; 1000 Genomes Project 30x 0.00078.
gnomAD v4.1: 118 of 1,613,968 alleles (0.0073%); highest among the groups gnomAD compares: Admixed American, 0.19%; 1 homozygote.

Submissions (3):

Labcorp Genetics (formerly Invitae), Labcorp
Classification: Likely benign for Myopathy, proximal, and ophthalmoplegia. Last evaluated: 2026-01-17. Review status: criteria provided, single submitter. Criteria: Invitae Variant Classification Sherloc (09022015). Collection method: clinical testing. Allele origin: germline.

Eurofins Ntd Llc (ga)
Classification: Uncertain significance. Last evaluated: 2015-11-30. Review status: criteria provided, single submitter. Criteria: EGL Classification Definitions 2015. Collection method: clinical testing. Allele origin: germline. Observed: 1 variant allele, 1 heterozygote.

PreventionGenetics, part of Exact Sciences
Classification: Likely benign for MYH2-related condition. Last evaluated: 2024-03-28. Review status: no assertion criteria provided. Collection method: clinical testing. Allele origin: germline. Not counted in ClinVar's aggregate classification.
Comment: This variant is classified as likely benign based on ACMG/AMP sequence variant interpretation guidelines (Richards et al. 2015 PMID: 25741868, with internal and published modifications).